The following is an entry in ClinVar:

NM_020937.4(FANCM):c.857T>C (p.Val286Ala)

Gene: FANCM (FA complementation group M; plus strand). Cytogenetic location: 14q21.2.
Variant type: single nucleotide variant.
Coding change: c.857T>C on transcript NM_020937.4 (MANE Select); coding-DNA position 857, T replaced by C.
Protein change: p.Val286Ala; replaces valine 286 with alanine.
Molecular consequence: missense variant.
Genome position (GRCh38, 1-based): chr14:45,148,934, T>C. VCF-style: chr14-45148934-T-C. GRCh37 (hg19) VCF-style: chr14-45618137-T-C.
Other names: c.779T>C, p.Val260Ala (NM_001308133.2); c.857T>C, p.Val286Ala (NM_001308134.2); short protein forms V260A, V286A.
Identifiers: ClinVar variation 1302393 (VCV001302393.4), dbSNP rs2139151919, ClinGen allele CA389590053.
Genomic context (GRCh38, chr14:45,148,934, plus strand): 5'-AGATAGAGCTTCGTTCTGAAGATTCTCCAGATATTTTGACATATTCTCATGAAAGAAAAG[T>C]TGAAAAGCTTATTGTTCCGCTTGGTGAAGAACTTGCAGCCATCCAAAAGACCTATATCCA-3'
Protein context (NP_065988.1, residues 276-296): DILTYSHERK[Val286Ala]EKLIVPLGEE

ClinVar aggregate classification (germline): Uncertain significance. Review status: criteria provided, multiple submitters, no conflicts (2 of 4 stars). 3 submissions from 3 submitters: Uncertain significance (3). Last evaluated 2025-03-18.

Conditions:
Inborn genetic diseases. Identifiers: MedGen C0950123, MeSH D030342.

Submissions (3):

Ambry Genetics
Classification: Uncertain significance for Inborn genetic diseases. Last evaluated: 2025-03-18. Review status: criteria provided, single submitter. Criteria: Ambry Variant Classification Scheme 2023. Collection method: clinical testing. Allele origin: germline.
Comment: The p.V286A variant (also known as c.857T>C), located in coding exon 4 of the FANCM gene, results from a T to C substitution at nucleotide position 857. The valine at codon 286 is replaced by alanine, an amino acid with similar properties. This amino acid position is conserved. In addition, this alteration is predicted to be tolerated by in silico analysis. Based on the available evidence, the clinical significance of this variant remains unclear.

Mendelics
Classification: Uncertain significance. Last evaluated: 2022-05-04. Review status: criteria provided, single submitter. Criteria: Mendelics Assertion Criteria 2019. Collection method: clinical testing. Allele origin: germline.

GeneDx
Classification: Uncertain significance. Last evaluated: 2020-12-04. Review status: criteria provided, single submitter. Criteria: GeneDx Variant Classification Process June 2021. Collection method: clinical testing. Allele origin: germline. Affected: yes.
Comment: Not observed in large population cohorts (Lek et al., 2016); In silico analysis supports that this missense variant has a deleterious effect on protein structure/function; Has not been previously published as pathogenic or benign to our knowledge